The following is an entry in ClinVar:

ClinVar aggregate classification (germline): Uncertain significance (1 of 4 stars; one submission).

gnomAD v4.1: 5 of 1,483,556 alleles (0.00034%); highest among the groups gnomAD compares: Non-Finnish European, 0.00045%; no homozygotes.

Submission:

Ambry Genetics
Classification: Uncertain significance. Last evaluated: 2024-11-23. Review status: criteria provided, single submitter. Criteria: Ambry Variant Classification Scheme 2023. Collection method: clinical testing. Allele origin: germline.
Comment: The p.R33Q variant (also known as c.98G>A), located in coding exon 1 of the ATRIP gene, results from a G to A substitution at nucleotide position 98. The arginine at codon 33 is replaced by glutamine, an amino acid with highly similar properties. This amino acid position is conserved. In addition, the in silico prediction for this alteration is inconclusive. Based on the available evidence, the clinical significance of this variant remains unclear.

NM_130384.3(ATRIP):c.98G>A (p.Arg33Gln)

Genes: ATRIP (ATR interacting protein; plus strand), ATRIP-TREX1 (ATRIP-TREX1 readthrough; plus strand), LOC129936703 (ATAC-STARR-seq lymphoblastoid silent region 14331; plus strand). Cytogenetic location: 3p21.31.
Variant type: single nucleotide variant.
Coding change: c.98G>A on transcript NM_130384.3 (MANE Select); coding-DNA position 98, G replaced by A.
Protein change: p.Arg33Gln; replaces arginine 33 with glutamine.
Molecular consequence: missense variant. On other transcripts: non-coding transcript variant (1), intron variant (1).
Genome position (GRCh38, 1-based): chr3:48,446,943, G>A. VCF-style: chr3-48446943-G-A. GRCh37 (hg19) VCF-style: chr3-48488347-G-A.
Other names: c.98G>A, p.Arg33Gln (NM_032166.4); c.-218+144G>A (NM_001271022.2); short protein forms R33Q.
Identifiers: ClinVar variation 3464379 (VCV003464379.1).